The following is an entry in ClinVar:

ClinVar aggregate classification (germline): Uncertain significance (1 of 4 stars; one submission).

Conditions:
Huntington disease-like 1 (HDL1). Also called: HUNTINGTON-LIKE NEURODEGENERATIVE DISORDER 1; HUNTINGTON-LIKE NEURODEGENERATIVE DISORDER, AUTOSOMAL DOMINANT; PRION DISEASE, EARLY-ONSET, WITH PROMINENT PSYCHIATRIC FEATURES. Identifiers: Orphanet 157941, MedGen C1864112, MONDO:0011299, OMIM 603218.

gnomAD v4.1: 1 of 1,613,608 alleles (0.000062%); highest among the groups gnomAD compares: Non-Finnish European, 0.000085%; no homozygotes.

Submission:

Labcorp Genetics (formerly Invitae), Labcorp
Classification: Uncertain significance for Huntington disease-like 1. Last evaluated: 2025-11-06. Review status: criteria provided, single submitter. Criteria: Invitae Variant Classification Sherloc (09022015). Collection method: clinical testing. Allele origin: germline.
Comment: This sequence change replaces asparagine, which is neutral and polar, with aspartic acid, which is acidic and polar, at codon 47 of the PRNP protein (p.Asn47Asp). This variant is present in population databases (rs770271370, gnomAD 0.0009%). This variant has not been reported in the literature in individuals affected with PRNP-related conditions. Invitae Evidence Modeling of protein sequence and biophysical properties (such as structural, functional, and spatial information, amino acid conservation, physicochemical variation, residue mobility, and thermodynamic stability) indicates that this missense variant is not expected to disrupt PRNP protein function with a negative predictive value of 80%. In summary, the available evidence is currently insufficient to determine the role of this variant in disease. Therefore, it has been classified as a Variant of Uncertain Significance.

NM_000311.5(PRNP):c.139A>G (p.Asn47Asp)

Gene: PRNP (prion protein (Kanno blood group); plus strand). Cytogenetic location: 20p13.
Variant type: single nucleotide variant.
Coding change: c.139A>G on transcript NM_000311.5 (MANE Select); coding-DNA position 139, A replaced by G.
Protein change: p.Asn47Asp; replaces asparagine 47 with aspartic acid.
Molecular consequence: missense variant.
Genome position (GRCh38, 1-based): chr20:4,699,359, A>G. VCF-style: chr20-4699359-A-G. GRCh37 (hg19) VCF-style: chr20-4680005-A-G.
Other names: c.139A>G, p.Asn47Asp (NM_001080121.3, NM_001080122.3, NM_001080123.3 and 1 more transcripts); c.50A>G, p.Gln17Arg (NM_001271561.3); short protein forms N47D, Q17R.
Identifiers: ClinVar variation 4703972 (VCV004703972.1).